The following is an entry in ClinVar:

NM_000540.3(RYR1):c.13659+1del

Gene: RYR1 (ryanodine receptor 1; plus strand). Cytogenetic location: 19q13.2.
Variant type: Deletion.
Coding change: c.13659+1del on transcript NM_000540.3 (MANE Select); the canonical splice donor site of the intron after coding-DNA position 13659, one base deleted (G; older notation c.13659+1delG).
Molecular consequence: splice donor variant.
Genome position (GRCh38, 1-based): chr19:38,567,918, G deleted; the last of 2 consecutive G bases (chr19:38,567,917-38,567,918); deleting either gives the same sequence. VCF-style (leftmost placement, unchanged base first): chr19-38567916-TG-T. GRCh37 (hg19) VCF-style: chr19-39058556-TG-T.
Other names: c.13644+1del (NM_001042723.2).
Identifiers: ClinVar variation 4743700 (VCV004743700.1).
Genomic context (GRCh38, chr19:38,567,916, plus strand): 5'-AGAAGGAGGAAGCTGGAGGCGAATTCTGGGGAGAACTGGAGGTGCAGAGGGTGAAGTTCC[TG>T]GTAAGGATCCAGCCAGGTCACCTGAACCTTCTTCTCCCCGGGAGCCCCACCTCTGGTGCC-3'

ClinVar aggregate classification (germline): Pathogenic (1 of 4 stars; one submission).

Conditions:
RYR1-related disorder. Also called: RYR1-related condition; RYR1-related disorders. Identifiers: MedGen CN239331.

Submission:

Labcorp Genetics (formerly Invitae), Labcorp
Classification: Pathogenic for RYR1-related disorder. Last evaluated: 2025-10-26. Review status: criteria provided, single submitter. Criteria: Invitae Variant Classification Sherloc (09022015). Collection method: clinical testing. Allele origin: germline.
Comment: This sequence change creates a premature translational stop signal (Splice site) in the RYR1 gene. It is expected to result in an absent or disrupted protein product. Loss-of-function variants in RYR1 are known to be pathogenic (PMID: 23919265, 25960145, 28818389, 30611313). This variant is present in population databases (rs778525308, gnomAD 0.0009%). This variant has not been reported in the literature in individuals affected with RYR1-related conditions. This variant is also known as c.13659+1del. Algorithms developed to predict the effect of sequence changes on RNA splicing suggest that this variant may disrupt the consensus splice site. For these reasons, this variant has been classified as Pathogenic.

Literature cited by the submitters: PubMed 23919265; PubMed 25960145; PubMed 28818389; PubMed 30611313.